The following is an entry in ClinVar:

NM_000030.3(AGXT):c.423G>T (p.Glu141Asp)

Gene: AGXT (alanine--glyoxylate aminotransferase; plus strand). Cytogenetic location: 2q37.3.
Variant type: single nucleotide variant.
Coding change: c.423G>T on transcript NM_000030.3 (MANE Select); coding-DNA position 423, G replaced by T.
Protein change: p.Glu141Asp; replaces glutamic acid 141 with aspartic acid.
Molecular consequence: missense variant.
Genome position (GRCh38, 1-based): chr2:240,870,708, G>T. VCF-style: chr2-240870708-G-T. GRCh37 (hg19) VCF-style: chr2-241810125-G-T.
Other names: short protein forms E141D.
Identifiers: ClinVar variation 204100 (VCV000204100.2), dbSNP rs180177217, ClinGen allele CA275689.

ClinVar aggregate classification (germline): Pathogenic (0 of 4 stars; one submission).

Conditions:
Primary hyperoxaluria, type I (HP1). Also called: GLYCOLIC ACIDURIA; HEPATIC AGT DEFICIENCY; OXALOSIS I; Primary hyperoxaluria type 1. Identifiers: Orphanet 416, Orphanet 93598, MedGen C0268164, MONDO:0009823, OMIM 259900. Disease mechanism: loss of function.

Allele frequency attached by ClinVar (database versions not stated): gnomAD exomes below 0.00001.

Submission:

Clinical Biochemistry Laboratory, Health Services Laboratory
Classification: Pathogenic for Primary hyperoxaluria, type I. Last evaluated: 2014-11-27. Review status: no assertion criteria provided. Collection method: in vitro. Allele origin: germline. Affected: yes.
Comment: May also affect splicing.